The following is an entry in ClinVar:

ClinVar aggregate classification (germline): Uncertain significance (1 of 4 stars; one submission).

Conditions:
Hereditary cancer-predisposing syndrome. Also called: Hereditary Cancer Syndrome; Hereditary neoplastic syndrome; Neoplastic Syndromes, Hereditary; Tumor predisposition. Identifiers: Orphanet 140162, MedGen C0027672, MeSH D009386, MONDO:0015356.

Submission:

Ambry Genetics
Classification: Uncertain significance for Hereditary cancer-predisposing syndrome. Last evaluated: 2025-05-17. Review status: criteria provided, single submitter. Criteria: Ambry Variant Classification Scheme 2023. Collection method: clinical testing. Allele origin: germline.
Comment: The p.Q420H variant (also known as c.1260G>C), located in coding exon 4 of the PALB2 gene, results from a G to C substitution at nucleotide position 1260. The glutamine at codon 420 is replaced by histidine, an amino acid with highly similar properties. This amino acid position is conserved. In addition, the in silico prediction for this alteration is inconclusive. Based on the available evidence, the clinical significance of this variant remains unclear.

NM_024675.4(PALB2):c.1260G>C (p.Gln420His)

Gene: PALB2 (partner and localizer of BRCA2; minus strand). Cytogenetic location: 16p12.2.
Variant type: single nucleotide variant.
Coding change: c.1260G>C on transcript NM_024675.4 (MANE Select); coding-DNA position 1260, G replaced by C.
Protein change: p.Gln420His; replaces glutamine 420 with histidine.
Molecular consequence: missense variant. On other transcripts: intron variant (3).
Genome position (GRCh38, 1-based): chr16:23,635,286, C>G on the plus strand (G>C on the coding strand, the complement: PALB2 is on the minus strand). VCF-style: chr16-23635286-C-G. GRCh37 (hg19) VCF-style: chr16-23646607-C-G.
Other names: c.1200G>C, p.Gln400His (NM_001407296.1); c.1260G>C, p.Gln420His (NM_001407297.1, NM_001407298.1, NM_001407299.1 and 3 more transcripts); c.375G>C, p.Gln125His (NM_001407304.1, NM_001407305.1, NM_001407306.1 and 5 more transcripts); c.48+5824G>C (NM_001407314.1); c.-104-4817G>C (NM_001407313.1, NM_001407312.1); short protein forms Q125H, Q420H, Q400H.
Identifiers: ClinVar variation 3927449 (VCV003927449.1).